The following is an entry in ClinVar:

ClinVar aggregate classification (germline): Likely benign (0 of 4 stars; one submission).

Conditions:
ADH7-related disorder. Also called: ADH7-related condition.

Allele frequency attached by ClinVar (database versions not stated): ExAC 0.00005; gnomAD 0.00007; TOPMed 0.00010.
gnomAD v4.1: 155 of 1,613,462 alleles (0.0096%); highest among the groups gnomAD compares: Middle Eastern, 0.016%; no homozygotes.

Submission:

PreventionGenetics, part of Exact Sciences
Classification: Likely benign for ADH7-related condition. Last evaluated: 2022-06-27. Review status: no assertion criteria provided. Collection method: clinical testing. Allele origin: germline.
Comment: This variant is classified as likely benign based on ACMG/AMP sequence variant interpretation guidelines (Richards et al. 2015 PMID: 25741868, with internal and published modifications).

NM_000673.7(ADH7):c.474T>C (p.Ala158=)

Gene: ADH7 (alcohol dehydrogenase 7 (class IV), mu or sigma polypeptide; minus strand). Cytogenetic location: 4q23.
Variant type: single nucleotide variant.
Coding change: c.474T>C on transcript NM_000673.7 (MANE Select); coding-DNA position 474, T replaced by C.
Protein change: p.Ala158=; no amino-acid change (alanine 158 retained).
Molecular consequence: synonymous variant.
Genome position (GRCh38, 1-based): chr4:99,427,863, A>G on the plus strand (T>C on the coding strand, the complement: ADH7 is on the minus strand). VCF-style: chr4-99427863-A-G. GRCh37 (hg19) VCF-style: chr4-100349020-A-G.
Other names: c.534T>C, p.Ala178= (NM_001166504.2).
Identifiers: ClinVar variation 3046065 (VCV003046065.2), dbSNP rs750979953, ClinGen allele CA3020825.